The following is an entry in ClinVar:

ClinVar aggregate classification (germline): Uncertain significance (1 of 4 stars; one submission).

Conditions:
Autosomal recessive limb-girdle muscular dystrophy type 2A (LGMDR1). Also called: Limb-girdle muscular dystrophy, type 2A; Muscular dystrophy, limb-girdle, type 2A, Amish; LEYDEN-MOEBIUS MUSCULAR DYSTROPHY; MUSCULAR DYSTROPHY, PELVOFEMORAL; Calpainopathy. Identifiers: Orphanet 267, MedGen C1869123, MONDO:0009675, OMIM 253600. Disease mechanism: loss of function.

Allele frequency attached by ClinVar (database versions not stated): gnomAD 0.00001.
gnomAD v4.1: 3 of 1,613,314 alleles (0.00019%); highest among the groups gnomAD compares: African/African-American, 0.0027%; no homozygotes.

Submission:

Labcorp Genetics (formerly Invitae), Labcorp
Classification: Uncertain significance for Autosomal recessive limb-girdle muscular dystrophy type 2A. Last evaluated: 2021-12-03. Review status: criteria provided, single submitter. Criteria: Invitae Variant Classification Sherloc (09022015). Collection method: clinical testing. Allele origin: germline.
Comment: In summary, the available evidence is currently insufficient to determine the role of this variant in disease. Therefore, it has been classified as a Variant of Uncertain Significance. Algorithms developed to predict the effect of missense changes on protein structure and function are either unavailable or do not agree on the potential impact of this missense change (SIFT: "Deleterious"; PolyPhen-2: "Probably Damaging"; Align-GVGD: "Class C0"). This variant has not been reported in the literature in individuals affected with CAPN3-related conditions. This variant is not present in population databases (gnomAD no frequency). This sequence change replaces alanine, which is neutral and non-polar, with serine, which is neutral and polar, at codon 133 of the CAPN3 protein (p.Ala133Ser).

NM_000070.3(CAPN3):c.397G>T (p.Ala133Ser)

Genes: CAPN3 (calpain 3; plus strand), LOC126862115 (BRD4-independent group 4 enhancer GRCh37_chr15:42677734-42678933; plus strand). Cytogenetic location: 15q15.1.
Variant type: single nucleotide variant.
Coding change: c.397G>T on transcript NM_000070.3 (MANE Select); coding-DNA position 397, G replaced by T.
Protein change: p.Ala133Ser; replaces alanine 133 with serine.
Molecular consequence: missense variant.
Genome position (GRCh38, 1-based): chr15:42,386,184, G>T. VCF-style: chr15-42386184-G-T. GRCh37 (hg19) VCF-style: chr15-42678382-G-T.
Other names: c.397G>T, p.Ala133Ser (NM_024344.2, NM_173087.2); short protein forms A133S.
Identifiers: ClinVar variation 1363513 (VCV001363513.6), dbSNP rs946415346, ClinGen allele CA391997505.